The following is an entry in ClinVar:

ClinVar aggregate classification (germline): Pathogenic (1 of 4 stars; one submission).

Conditions:
Familial adenomatous polyposis 1 (FAP1). Also called: POLYPOSIS, ADENOMATOUS INTESTINAL; FAMILIAL ADENOMATOUS POLYPOSIS 1, ATTENUATED. Identifiers: MedGen C2713442, MONDO:0021056, OMIM 175100. Disease mechanism: loss of function.

Submission:

Myriad Genetics, Inc.
Classification: Pathogenic for Familial adenomatous polyposis 1. Last evaluated: 2023-05-03. Review status: criteria provided, single submitter. Criteria: Myriad Autosomal Dominant, Autosomal Recessive and X-Linked Classification Criteria (2023). Collection method: clinical testing. Allele origin: unknown.
Comment: This variant is considered pathogenic. This variant occurs within a consensus splice junction and is predicted to result in abnormal mRNA splicing of either an out-of-frame exon or an in-frame exon necessary for protein stability and/or normal function. mRNA analysis has demonstrated abnormal mRNA splicing occurs [PMID: 15459959].

Literature cited by the submitters: PubMed 15459959.

NM_000038.6(APC):c.1958+1del

Gene: APC (APC regulator of Wnt signaling pathway; plus strand). Cytogenetic location: 5q22.2.
Variant type: Deletion.
Coding change: c.1958+1del on transcript NM_000038.6 (MANE Select); the canonical splice donor site of the intron after coding-DNA position 1958, one base deleted (G; older notation c.1958+1delG).
Molecular consequence: splice donor variant.
Genome position (GRCh38, 1-based): chr5:112,835,166, G deleted; the last of 2 consecutive G bases (chr5:112,835,165-112,835,166); deleting either gives the same sequence. VCF-style (leftmost placement, unchanged base first): chr5-112835164-AG-A. GRCh37 (hg19) VCF-style: chr5-112170861-AG-A.
Other names: c.1109+1del (NM_001407470.1, NM_001354906.2); c.806+1del (NM_001407472.1, NM_001407471.1); c.2012+1del (NM_001407447.1, NM_001407448.1, NM_001407449.1 and 1 more transcripts); c.1958+1del (NM_001354895.2, NM_001407450.1, NM_001127510.3); c.1709+1del (NM_001407456.1, NM_001407457.1, NM_001407455.1 and 1 more transcripts); c.1655+1del (NM_001407460.1, NM_001407458.1, NM_001407459.1 and 1 more transcripts); c.1928+1del (NM_001407452.1); c.1571+1del (NM_001407469.1, NM_001407467.1); and 11 more.
Identifiers: ClinVar variation 2583444 (VCV002583444.1), dbSNP rs2533345408, ClinGen allele CA658760636.